The following is an entry in ClinVar:

NM_001458.5(FLNC):c.215C>T (p.Ala72Val)

Gene: FLNC (filamin C; plus strand). Cytogenetic location: 7q32.1.
Variant type: single nucleotide variant.
Coding change: c.215C>T on transcript NM_001458.5 (MANE Select); coding-DNA position 215, C replaced by T.
Protein change: p.Ala72Val; replaces alanine 72 with valine.
Molecular consequence: missense variant.
Genome position (GRCh38, 1-based): chr7:128,830,852, C>T. VCF-style: chr7-128830852-C-T. GRCh37 (hg19) VCF-style: chr7-128470906-C-T.
Other names: c.215C>T, p.Ala72Val (NM_001127487.2); c.215C>T (NM_001458.4); short protein forms A72V.
Identifiers: ClinVar variation 1407155 (VCV001407155.11), dbSNP rs893814984, ClinGen allele CA166207186.

ClinVar aggregate classification (germline): Uncertain significance. Review status: criteria provided, multiple submitters, no conflicts (2 of 4 stars). 2 submissions from 2 submitters: Uncertain significance (2). Last evaluated 2025-10-01.

Conditions:
Hypertrophic cardiomyopathy 26. Also called: Cardiomyopathy, familial hypertrophic, 26. Identifiers: Orphanet 75249, MedGen C4310749, MONDO:0014883, OMIM 617047.
Myofibrillar myopathy 5. Also called: FILAMINOPATHY, AUTOSOMAL DOMINANT; Filaminopathy (type). Identifiers: Orphanet 171445, MedGen C1836050, MONDO:0012289, OMIM 609524.
Distal myopathy with posterior leg and anterior hand involvement. Also called: WILLIAMS DISTAL MYOPATHY. Identifiers: Orphanet 63273, MedGen C3279722, MONDO:0013550, OMIM 614065.

Allele frequency attached by ClinVar (database versions not stated): gnomAD exomes below 0.00001.
gnomAD v4.1: 1 of 1,613,132 alleles (0.000062%); highest among the groups gnomAD compares: Non-Finnish European, 0.000085%; no homozygotes.

Submissions (2):

Labcorp Genetics (formerly Invitae), Labcorp
Classification: Uncertain significance for Distal myopathy with posterior leg and anterior hand involvement; Myofibrillar myopathy 5; Hypertrophic cardiomyopathy 26. Last evaluated: 2025-10-01. Review status: criteria provided, single submitter. Criteria: Invitae Variant Classification Sherloc (09022015). Collection method: clinical testing. Allele origin: germline.
Comment: This sequence change replaces alanine, which is neutral and non-polar, with valine, which is neutral and non-polar, at codon 72 of the FLNC protein (p.Ala72Val). This variant is not present in population databases (gnomAD no frequency). This variant has not been reported in the literature in individuals affected with FLNC-related conditions. ClinVar contains an entry for this variant (Variation ID: 1407155). Invitae Evidence Modeling of protein sequence and biophysical properties (such as structural, functional, and spatial information, amino acid conservation, physicochemical variation, residue mobility, and thermodynamic stability) has been performed for this missense variant. However, the output from this modeling did not meet the statistical confidence thresholds required to predict the impact of this variant on FLNC protein function. In summary, the available evidence is currently insufficient to determine the role of this variant in disease. Therefore, it has been classified as a Variant of Uncertain Significance.

GeneDx
Classification: Uncertain significance. Last evaluated: 2025-06-16. Review status: criteria provided, single submitter. Criteria: GeneDx Variant Classification Process June 2021. Collection method: clinical testing. Allele origin: germline. Affected: yes.
Comment: Not observed at significant frequency in large population cohorts (gnomAD); In silico analysis supports that this missense variant has a deleterious effect on protein structure/function; Has not been previously published as pathogenic or benign to our knowledge